The following is an entry in ClinVar:

NM_004287.5(GOSR2):c.73G>T (p.Ala25Ser)

Genes: GOSR2 (golgi SNAP receptor complex member 2; plus strand), LRRC37A2 (leucine rich repeat containing 37 member A2). Cytogenetic location: 17q21.32.
Variant type: single nucleotide variant.
Coding change: c.73G>T on transcript NM_004287.5 (MANE Select); coding-DNA position 73, G replaced by T.
Protein change: p.Ala25Ser; replaces alanine 25 with serine.
Molecular consequence: missense variant. On other transcripts: non-coding transcript variant (3).
Genome position (GRCh38, 1-based): chr17:46,929,563, G>T. VCF-style: chr17-46929563-G-T. GRCh37 (hg19) VCF-style: chr17-45006929-G-T.
Other names: c.73G>T, p.Ala25Ser (NM_001012511.3, NM_001321133.2, NM_001330252.2 and 4 more transcripts); c.19G>T, p.Ala7Ser (NM_001321134.2, NM_001363851.2); short protein forms A25S, A7S.
Identifiers: ClinVar variation 3602955 (VCV003602955.1).
Genomic context (GRCh38, chr17:46,929,563, plus strand): 5'-CCCTCTTCCTTTGATAGGCAGGTCCACGAGATCCAGTCTTGCATGGGACGCCTGGAGACG[G>T]CAGACAAGCAGTCTGTGCACAGTGAGTAATTAACTGTGGAGACCAGAGTCCTTTCTCTGA-3'
Protein context (NP_004278.2, residues 15-35): IQSCMGRLET[Ala25Ser]DKQSVHIVEN

ClinVar aggregate classification (germline): Uncertain significance (1 of 4 stars; one submission).

Submission:

GeneDx
Classification: Uncertain significance. Last evaluated: 2024-08-07. Review status: criteria provided, single submitter. Criteria: GeneDx Variant Classification Process June 2021. Collection method: clinical testing. Allele origin: germline. Affected: yes.
Comment: Not observed at significant frequency in large population cohorts (gnomAD); In silico analysis indicates that this missense variant does not alter protein structure/function; Has not been previously published as pathogenic or benign to our knowledge